The following is an entry in ClinVar:

NM_001004334.4(GPR179):c.2604G>C (p.Glu868Asp)

Gene: GPR179 (G protein-coupled receptor 179; minus strand). Cytogenetic location: 17q12.
Variant type: single nucleotide variant.
Coding change: c.2604G>C on transcript NM_001004334.4 (MANE Select); coding-DNA position 2604, G replaced by C.
Protein change: p.Glu868Asp; replaces glutamic acid 868 with aspartic acid.
Molecular consequence: missense variant.
Genome position (GRCh38, 1-based): chr17:38,330,965, C>G on the plus strand (G>C on the coding strand, the complement: GPR179 is on the minus strand). VCF-style: chr17-38330965-C-G. GRCh37 (hg19) VCF-style: chr17-36486848-C-G.
Other names: c.2604G>C (NM_001004334.3); short protein forms E868D.
Identifiers: ClinVar variation 323009 (VCV000323009.40), dbSNP rs201214109, ClinGen allele CA10650035.

ClinVar aggregate classification (germline): Benign/Likely benign. Review status: criteria provided, multiple submitters, no conflicts (2 of 4 stars). 6 submissions from 6 submitters: Benign (1); Likely benign (4). 1 of the submissions does not count toward it. Last evaluated 2026-02-02.

Conditions:
GPR179-related disorder. Also called: GPR179-related condition.
Congenital stationary night blindness 1E. Also called: Night blindness, congenital stationary (complete), 1E, autosomal recessive. Identifiers: Orphanet 215, MedGen C3281215, MONDO:0013807, OMIM 614565.

Allele frequency attached by ClinVar (database versions not stated): 1000 Genomes Project 30x 0.00047; 1000 Genomes Project 0.00060; TOPMed 0.00291; ESP Exome Variant Server 0.00315; gnomAD exomes 0.00401 and 0.00480; gnomAD 0.00446 and 0.00473; ExAC 0.00589.
gnomAD v4.1: 6,494 of 1,612,256 alleles (0.4%); highest among the groups gnomAD compares: Non-Finnish European, 0.43%; 40 homozygotes.

Submissions (6):

Labcorp Genetics (formerly Invitae), Labcorp
Classification: Benign. Last evaluated: 2026-02-02. Review status: criteria provided, single submitter. Criteria: Invitae Variant Classification Sherloc (09022015). Collection method: clinical testing. Allele origin: germline.

CeGaT Center for Human Genetics Tuebingen
Classification: Likely benign. Last evaluated: 2026-01-01. Review status: criteria provided, single submitter. Criteria: CeGaT Center For Human Genetics Tuebingen Variant Classification Criteria Version 2. Collection method: clinical testing. Allele origin: germline. Affected: yes. Observed: 4 variant alleles.
Comment: GPR179: BP4, BS2

Blueprint Genetics
Classification: Likely benign. Last evaluated: 2024-11-26. Review status: criteria provided, single submitter. Criteria: ACMG Guidelines, 2015. Collection method: clinical testing. Allele origin: germline.

Illumina Laboratory Services, Illumina
Classification: Likely benign for Congenital stationary night blindness 1E. Last evaluated: 2018-01-12. Review status: criteria provided, single submitter. Criteria: ICSL Variant Classification Criteria 13 December 2019. Collection method: clinical testing. Allele origin: germline.
Comment: This variant was observed in the ICSL laboratory as part of a predisposition screen in an ostensibly healthy population. It had not been previously curated by ICSL or reported in the Human Gene Mutation Database (HGMD: prior to June 1st, 2018), and was therefore a candidate for classification through an automated scoring system. Utilizing variant allele frequency, disease prevalence and penetrance estimates, and inheritance mode, an automated score was calculated to assess if this variant is too frequent to cause the disease. Based on the score and internal cut-off values, a variant classified as likely benign is not then subjected to further curation. The score for this variant resulted in a classification of likely benign for this disease.

Breakthrough Genomics
Classification: Likely benign. Review status: criteria provided, single submitter. Criteria: ACMG Guidelines, 2015. Collection method: not provided. Allele origin: germline. Inheritance: Autosomal recessive inheritance. Affected: yes.

PreventionGenetics, part of Exact Sciences
Classification: Benign for GPR179-related condition. Last evaluated: 2019-07-31. Review status: no assertion criteria provided. Collection method: clinical testing. Allele origin: germline. Not counted in ClinVar's aggregate classification.
Comment: This variant is classified as benign based on ACMG/AMP sequence variant interpretation guidelines (Richards et al. 2015 PMID: 25741868, with internal and published modifications).